The following is an entry in ClinVar:

ClinVar aggregate classification (germline): Uncertain significance (1 of 4 stars; one submission).

Conditions:
Hereditary breast ovarian cancer syndrome. Also called: Hereditary breast and ovarian cancer syndrome; Hereditary breast and/or ovarian cancer syndrome; BRCA1- and BRCA2-Associated Hereditary Breast and Ovarian Cancer; Hereditary breast and ovarian cancer syndrome (HBOC); Hereditary breast and ovarian cancer; Breast and ovarian cancer. Identifiers: Orphanet 145, MedGen C0677776, MeSH D061325, MONDO:0003582. Disease mechanism: loss of function.

Submission:

Labcorp Genetics (formerly Invitae), Labcorp
Classification: Uncertain significance for Hereditary breast ovarian cancer syndrome. Last evaluated: 2024-12-18. Review status: criteria provided, single submitter. Criteria: Invitae Variant Classification Sherloc (09022015). Collection method: clinical testing. Allele origin: germline.
Comment: This sequence change replaces alanine, which is neutral and non-polar, with proline, which is neutral and non-polar, at codon 406 of the BRCA2 protein (p.Ala406Pro). This variant is not present in population databases (gnomAD no frequency). This variant has not been reported in the literature in individuals affected with BRCA2-related conditions. ClinVar contains an entry for this variant (Variation ID: 2860520). Invitae Evidence Modeling of protein sequence and biophysical properties (such as structural, functional, and spatial information, amino acid conservation, physicochemical variation, residue mobility, and thermodynamic stability) indicates that this missense variant is not expected to disrupt BRCA2 protein function with a negative predictive value of 95%. In summary, the available evidence is currently insufficient to determine the role of this variant in disease. Therefore, it has been classified as a Variant of Uncertain Significance.

NM_000059.4(BRCA2):c.1216G>C (p.Ala406Pro)

Gene: BRCA2 (BRCA2 DNA repair associated; plus strand). Cytogenetic location: 13q13.1.
Variant type: single nucleotide variant.
Coding change: c.1216G>C on transcript NM_000059.4 (MANE Select); coding-DNA position 1216, G replaced by C.
Protein change: p.Ala406Pro; replaces alanine 406 with proline.
Molecular consequence: missense variant. On other transcripts: non-coding transcript variant (1), intron variant (1).
Genome position (GRCh38, 1-based): chr13:32,332,694, G>C. VCF-style: chr13-32332694-G-C. GRCh37 (hg19) VCF-style: chr13-32906831-G-C.
Other names: c.1216G>C, p.Ala406Pro (NM_001406719.1, NM_001406720.1, NM_001406721.1); c.424+1664G>C (NM_001406722.1); short protein forms A406P.
Identifiers: ClinVar variation 2860520 (VCV002860520.3), dbSNP rs751535164, ClinGen allele CA387762107.